The following is an entry in ClinVar:

ClinVar aggregate classification (germline): Uncertain significance (1 of 4 stars; one submission).

gnomAD v4.1: 1 of 1,612,904 alleles (0.000062%); highest among the groups gnomAD compares: Non-Finnish European, 0.000085%; no homozygotes.

Submission:

Labcorp Genetics (formerly Invitae), Labcorp
Classification: Uncertain significance. Last evaluated: 2021-12-23. Review status: criteria provided, single submitter. Criteria: Invitae Variant Classification Sherloc (09022015). Collection method: clinical testing. Allele origin: germline.
Comment: In summary, the available evidence is currently insufficient to determine the role of this variant in disease. Therefore, it has been classified as a Variant of Uncertain Significance. Algorithms developed to predict the effect of missense changes on protein structure and function (SIFT, PolyPhen-2, Align-GVGD) all suggest that this variant is likely to be tolerated. This variant has not been reported in the literature in individuals affected with CACNA2D4-related conditions. This variant is present in population databases (rs189066664, gnomAD 0.0009%). This sequence change replaces arginine, which is basic and polar, with leucine, which is neutral and non-polar, at codon 906 of the CACNA2D4 protein (p.Arg906Leu).

NM_172364.5(CACNA2D4):c.2717G>T (p.Arg906Leu)

Gene: CACNA2D4 (calcium voltage-gated channel auxiliary subunit alpha2delta 4; minus strand). Cytogenetic location: 12p13.33.
Variant type: single nucleotide variant.
Coding change: c.2717G>T on transcript NM_172364.5 (MANE Select); coding-DNA position 2717, G replaced by T.
Protein change: p.Arg906Leu; replaces arginine 906 with leucine.
Molecular consequence: missense variant.
Genome position (GRCh38, 1-based): chr12:1,810,282, C>A on the plus strand (G>T on the coding strand, the complement: CACNA2D4 is on the minus strand). VCF-style: chr12-1810282-C-A. GRCh37 (hg19) VCF-style: chr12-1919448-C-A.
Other names: short protein forms R906L.
Identifiers: ClinVar variation 2054799 (VCV002054799.4), dbSNP rs189066664, ClinGen allele CA6386244.
Genomic context (GRCh38, chr12:1,810,282, plus strand): 5'-TGTCTCCAGTCCTCCTGCCGCCCTCTCCCCCTCATTCTATATCCCCAGTGACTCACCTCT[C>A]GGGACCTCTTGGAGATCAGAATGAACCCGTTGTTGTCGATGACGAAGCAGTCCAGATCCT-3'
Protein context (NP_758952.4, residues 896-916): NGFILISKRS[Arg906Leu]ETGRFLGEVD